The following is an entry in ClinVar:

ClinVar aggregate classification (germline): Conflicting classifications of pathogenicity. Review status: criteria provided, conflicting classifications (1 of 4 stars). 2 submissions from 2 submitters: Uncertain significance (1); Likely benign (1). Last evaluated 2025-09-03.

Conditions:
Catecholaminergic polymorphic ventricular tachycardia (CVPT). Also called: Catecholamine-induced polymorphic ventricular tachycardia. Identifiers: Orphanet 3286, MedGen C5574922, MONDO:0017990.
Catecholaminergic polymorphic ventricular tachycardia 1. Also called: RYR2-Related Catecholaminergic Polymorphic Ventricular Tachycardia; VENTRICULAR TACHYCARDIA, STRESS-INDUCED POLYMORPHIC 1; VENTRICULAR TACHYCARDIA, CATECHOLAMINERGIC POLYMORPHIC, 1, WITH OR WITHOUT ATRIAL DYSFUNCTION AND/OR DILATED CARDIOMYOPATHY. Identifiers: Orphanet 3286, MedGen C1631597, MONDO:0011484, OMIM 604772.

Allele frequency attached by ClinVar (database versions not stated): gnomAD exomes below 0.00001.
gnomAD v4.1: 1 of 1,571,508 alleles (0.000064%); highest among the groups gnomAD compares: Non-Finnish European, 0.000087%; no homozygotes.

Submissions (2):

Labcorp Genetics (formerly Invitae), Labcorp
Classification: Likely benign for Catecholaminergic polymorphic ventricular tachycardia 1. Last evaluated: 2025-09-03. Review status: criteria provided, single submitter. Criteria: Invitae Variant Classification Sherloc (09022015). Collection method: clinical testing. Allele origin: germline.

All of Us Research Program, National Institutes of Health
Classification: Uncertain significance for Catecholaminergic polymorphic ventricular tachycardia. Last evaluated: 2023-02-24. Review status: criteria provided, single submitter. Criteria: ACMG Guidelines, 2015. Collection method: clinical testing. Allele origin: germline. Inheritance: Autosomal dominant inheritance. Observed: 1 variant allele, 1 heterozygote.
Comment: This variant is located in the RYR2 protein. To our knowledge, functional studies have not been reported for this variant. This variant has not been reported in individuals affected with RYR2-related disorders in the literature. This variant has not been identified in the general population by the Genome Aggregation Database (gnomAD). The available evidence is insufficient to determine the role of this variant in disease conclusively. Therefore, this variant is classified as a Variant of Uncertain Significance.

This study involves interpretation of variants in research participants for the purpose of population health screening. Participant phenotype was not available at the time of variant classification. Additional details can be found in publication PMID: 35346344, PMCID: PMC8962531

NM_001035.3(RYR2):c.9864G>A (p.Leu3288=)

Gene: RYR2 (ryanodine receptor 2; plus strand). Cytogenetic location: 1q43.
Variant type: single nucleotide variant.
Coding change: c.9864G>A on transcript NM_001035.3 (MANE Select); coding-DNA position 9864, G replaced by A.
Protein change: p.Leu3288=; no amino-acid change (leucine 3288 retained).
Molecular consequence: synonymous variant.
Genome position (GRCh38, 1-based): chr1:237,707,232, G>A. VCF-style: chr1-237707232-G-A. GRCh37 (hg19) VCF-style: chr1-237870532-G-A.
Identifiers: ClinVar variation 3069502 (VCV003069502.2), dbSNP rs2547403367, ClinGen allele CA424031844.